The following is an entry in ClinVar:

ClinVar aggregate classification (germline): Uncertain significance (1 of 4 stars; one submission).

Conditions:
Hyperaldosteronism, familial, type IV (HALD4). Also called: FH IV; ALDOSTERONISM, PRIMARY, AND HYPERTENSION. Identifiers: Orphanet 642671, MedGen C4310756, MONDO:0014875, OMIM 617027.
Idiopathic generalized epilepsy. Also called: EIG; Generalised epilepsy. Identifiers: MedGen C0270850, MONDO:0005579, OMIM 600669.

Submission:

Labcorp Genetics (formerly Invitae), Labcorp
Classification: Uncertain significance for Idiopathic generalized epilepsy; Hyperaldosteronism, familial, type IV. Last evaluated: 2022-05-08. Review status: criteria provided, single submitter. Criteria: Invitae Variant Classification Sherloc (09022015). Collection method: clinical testing. Allele origin: germline.
Comment: In summary, the available evidence is currently insufficient to determine the role of this variant in disease. Therefore, it has been classified as a Variant of Uncertain Significance. Algorithms developed to predict the effect of missense changes on protein structure and function are either unavailable or do not agree on the potential impact of this missense change (SIFT: "Tolerated"; PolyPhen-2: "Possibly Damaging"; Align-GVGD: "Class C0"). This variant has not been reported in the literature in individuals affected with CACNA1H-related conditions. This variant is not present in population databases (gnomAD no frequency). This sequence change replaces lysine, which is basic and polar, with arginine, which is basic and polar, at codon 843 of the CACNA1H protein (p.Lys843Arg).

NM_021098.3(CACNA1H):c.2528A>G (p.Lys843Arg)

Gene: CACNA1H (calcium voltage-gated channel subunit alpha1 H; plus strand). Cytogenetic location: 16p13.3.
Variant type: single nucleotide variant.
Coding change: c.2528A>G on transcript NM_021098.3 (MANE Select); coding-DNA position 2528, A replaced by G.
Protein change: p.Lys843Arg; replaces lysine 843 with arginine.
Molecular consequence: missense variant.
Genome position (GRCh38, 1-based): chr16:1,205,190, A>G. VCF-style: chr16-1205190-A-G. GRCh37 (hg19) VCF-style: chr16-1255190-A-G.
Other names: c.2528A>G, p.Lys843Arg (NM_001005407.2); short protein forms K843R.
Identifiers: ClinVar variation 2135462 (VCV002135462.4), dbSNP rs2548666502, ClinGen allele CA394167481.